The following is an entry in ClinVar:

ClinVar aggregate classification (germline): Pathogenic (1 of 4 stars; one submission).

Submission:

Labcorp Genetics (formerly Invitae), Labcorp
Classification: Pathogenic. Last evaluated: 2023-01-10. Review status: criteria provided, single submitter. Criteria: Invitae Variant Classification Sherloc (09022015). Collection method: clinical testing. Allele origin: germline.
Comment: For these reasons, this variant has been classified as Pathogenic. This variant has not been reported in the literature in individuals affected with ABCA4-related conditions. This variant is not present in population databases (gnomAD no frequency). This sequence change creates a premature translational stop signal (p.Lys1462Asnfs*84) in the ABCA4 gene. It is expected to result in an absent or disrupted protein product. Loss-of-function variants in ABCA4 are known to be pathogenic (PMID: 10958761, 24938718, 25312043, 26780318).

Literature cited by the submitters: PubMed 10958761; PubMed 24938718; PubMed 25312043; PubMed 26780318.

NM_000350.3(ABCA4):c.4386_4411del (p.Lys1462fs)

Gene: ABCA4 (ATP binding cassette subfamily A member 4; minus strand). Cytogenetic location: 1p22.1.
Variant type: Deletion.
Coding change: c.4386_4411del on transcript NM_000350.3 (MANE Select); coding-DNA positions 4386 to 4411, 26 bases deleted (GACTCCTTCTGTGTCCCCAAACATCA).
Protein change: p.Lys1462fs; shifts the reading frame from lysine 1462.
Molecular consequence: frameshift variant.
Genome position (GRCh38, 1-based): chr1:94,029,573-94,029,598, TGATGTTTGGGGACACAGAAGGAGTC deleted on the plus strand (GACTCCTTCTGTGTCCCCAAACATCA on the coding strand, the reverse complement: ABCA4 is on the minus strand); deleting any 26 consecutive bases within chr1:94,029,573-94,029,599 gives the same sequence; the c. name uses the placement nearest the transcript's 3' end. VCF-style (leftmost placement, unchanged base first): chr1-94029572-GTGATGTTTGGGGACACAGAAGGAGTC-G. GRCh37 (hg19) VCF-style: chr1-94495128-GTGATGTTTGGGGACACAGAAGGAGTC-G.
Other names: c.4163_4188del26, p.Lys1388Asnfs (NM_001425324.1); short protein forms K1462fs.
Identifiers: ClinVar variation 2827467 (VCV002827467.3), dbSNP rs2523723367, ClinGen allele CA2739272648.
Genomic context (GRCh38, chr1:94,029,572, plus strand): 5'-CTGCACCTGCAGGATGGTGAAGGGTTGACCTGTGTCCATTTCTGCTTCTGGAACAGCTGG[GTGATGTTTGGGGACACAGAAGGAGTC>G]TTCCAGGGTGTTGAGTTGCCACAGGGGTACTCCCTCATGGAAGACAAGAAAATATTCCAT-3'